The following is an entry in ClinVar:

NM_000117.3(EMD):c.712G>A (p.Val238Ile)

Gene: EMD (emerin; plus strand). Cytogenetic location: Xq28.
Variant type: single nucleotide variant.
Coding change: c.712G>A on transcript NM_000117.3 (MANE Select); coding-DNA position 712, G replaced by A.
Protein change: p.Val238Ile; replaces valine 238 with isoleucine.
Molecular consequence: missense variant.
Genome position (GRCh38, 1-based): chrX:154,381,144, G>A. VCF-style: chrX-154381144-G-A. GRCh37 (hg19) VCF-style: chrX-153609504-G-A.
Other names: short protein forms V238I.
Identifiers: ClinVar variation 837439 (VCV000837439.11), dbSNP rs782455914, ClinGen allele CA10561665.
Genomic context (GRCh38, chrX:154,381,144, plus strand): 5'-GGCCAGGATCGCCAGGTCCCGCTCTGGGGCCAGCTGCTGCTTTTCCTGGTCTTTGTGATC[G>A]TCCTCTTCTTCATTTACCACTTCATGCAGGCTGAAGAAGGCAACCCCTTCTAGAGGGAGC-3'
Protein context (NP_000108.1, residues 228-248): QLLLFLVFVI[Val238Ile]LFFIYHFMQA

ClinVar aggregate classification (germline): Conflicting classifications of pathogenicity. Review status: criteria provided, conflicting classifications (1 of 4 stars). 3 submissions from 3 submitters: Uncertain significance (1); Likely benign (1). 1 of the submissions does not count toward it. Last evaluated 2025-01-10.

Conditions:
Cardiovascular phenotype. Identifiers: MedGen CN230736.
X-linked Emery-Dreifuss muscular dystrophy. Also called: Muscular dystrophy, tardive Emery-Dreifuss type, with contractures. Identifiers: Orphanet 261, Orphanet 98863, MedGen C0751337, MONDO:0010680.
Emery-Dreifuss muscular dystrophy (EDMD). Also called: Scapuloperoneal syndrome, X-linked (formerly); Humeroperoneal neuromuscular disease, (formerly). Identifiers: Orphanet 261, MedGen C0410189, MONDO:0016830.

Allele frequency attached by ClinVar (database versions not stated): gnomAD exomes 0.00001; TOPMed 0.00002; ExAC 0.00003.

Submissions (3):

Ambry Genetics
Classification: Uncertain significance for Cardiovascular phenotype. Last evaluated: 2025-01-10. Review status: criteria provided, single submitter. Criteria: Ambry Variant Classification Scheme 2023. Collection method: clinical testing. Allele origin: germline.
Comment: The p.V238I variant (also known as c.712G>A), located in coding exon 6 of the EMD gene, results from a G to A substitution at nucleotide position 712. The valine at codon 238 is replaced by isoleucine, an amino acid with highly similar properties. Based on data from gnomAD, the A allele has an overall frequency of 0.0016% (3/182733) total alleles studied, with 2 hemizygote(s) observed. The highest observed frequency was 0.0036% (1/27398) of Latino alleles. This amino acid position is poorly conserved in available vertebrate species. In addition, this alteration is predicted to be tolerated by in silico analysis. Based on the available evidence, the clinical significance of this variant remains unclear.

Labcorp Genetics (formerly Invitae), Labcorp
Classification: Likely benign for X-linked Emery-Dreifuss muscular dystrophy. Last evaluated: 2024-09-11. Review status: criteria provided, single submitter. Criteria: Invitae Variant Classification Sherloc (09022015). Collection method: clinical testing. Allele origin: germline.

Natera, Inc.
Classification: Uncertain significance for Emery-Dreifuss muscular dystrophy. Last evaluated: 2020-07-08. Review status: no assertion criteria provided. Collection method: clinical testing. Allele origin: germline. Not counted in ClinVar's aggregate classification.